The following is an entry in ClinVar:

ClinVar aggregate classification (germline): Benign. Review status: criteria provided, multiple submitters, no conflicts (2 of 4 stars). 3 submissions from 2 submitters: Benign (3). Last evaluated 2024-04-25.

Conditions:
Alopecia universalis congenita (ALUNC). Also called: ATRICHIA, GENERALIZED. Identifiers: Orphanet 701, MedGen C1859877, MONDO:0008757, OMIM 203655.
Atrichia with papular lesions (APL). Also called: PAPULAR ATRICHIA. Identifiers: Orphanet 86819, MedGen C1859592, MONDO:0008847, OMIM 209500.

Allele frequency attached by ClinVar (database versions not stated): gnomAD exomes 0.00049 and 0.00105; ExAC 0.00122; ESP Exome Variant Server 0.00408; gnomAD 0.00483 and 0.00522; TOPMed 0.00505; 1000 Genomes Project 0.00619; 1000 Genomes Project 30x 0.00625.

Submissions (4):

Labcorp Genetics (formerly Invitae), Labcorp
Classification: Benign. Last evaluated: 2024-04-25. Review status: criteria provided, single submitter. Criteria: Invitae Variant Classification Sherloc (09022015). Collection method: clinical testing. Allele origin: germline.

Illumina Laboratory Services, Illumina
Classification: Benign for Atrichia with papular lesions. Last evaluated: 2018-01-13. Review status: criteria provided, single submitter. Criteria: ICSL Variant Classification Criteria 13 December 2019. Collection method: clinical testing. Allele origin: germline.
Comment: This variant was observed in the ICSL laboratory as part of a predisposition screen in an ostensibly healthy population. It had not been previously curated by ICSL or reported in the Human Gene Mutation Database (HGMD: prior to June 1st, 2018), and was therefore a candidate for classification through an automated scoring system. Utilizing variant allele frequency, disease prevalence and penetrance estimates, and inheritance mode, an automated score was calculated to assess if this variant is too frequent to cause the disease. Based on the score and internal cut-off values, a variant classified as benign is not then subjected to further curation. The score for this variant resulted in a classification of benign for this disease.

Illumina Laboratory Services, Illumina
Classification: Benign for Alopecia universalis congenita. Last evaluated: 2018-01-13. Review status: criteria provided, single submitter. Criteria: ICSL Variant Classification Criteria 13 December 2019. Collection method: clinical testing. Allele origin: germline.
Comment: the same text as in the submission from Illumina Laboratory Services, Illumina above.

Dr. Peter K. Rogan Lab, Western University
No classification provided (evidence only). Condition: Acute myeloid leukemia. Review status: no classification provided. Collection method: in vitro. Allele origin: not applicable. Functional consequence: retained intron. Not counted in ClinVar's aggregate classification.

NM_005144.5(HR):c.3213+10C>T

Gene: HR (HR lysine demethylase and nuclear receptor corepressor; minus strand). Cytogenetic location: 8p21.3.
Variant type: single nucleotide variant.
Coding change: c.3213+10C>T on transcript NM_005144.5 (MANE Select); 10 bases into the intron after coding-DNA position 3213, C replaced by T.
Molecular consequence: intron variant.
Genome position (GRCh38, 1-based): chr8:22,118,940, G>A on the plus strand (C>T on the coding strand, the complement: HR is on the minus strand). VCF-style: chr8-22118940-G-A. GRCh37 (hg19) VCF-style: chr8-21976453-G-A.
Other names: c.3213+10C>T (NM_018411.4).
Identifiers: ClinVar variation 362481 (VCV000362481.10), dbSNP rs116703265, ClinGen allele CA4661850.